The following is an entry in ClinVar:

NM_016030.6(TRAPPC12):c.99G>T (p.Glu33Asp)

Gene: TRAPPC12 (trafficking protein particle complex subunit 12; plus strand). Cytogenetic location: 2p25.3.
Variant type: single nucleotide variant.
Coding change: c.99G>T on transcript NM_016030.6 (MANE Select); coding-DNA position 99, G replaced by T.
Protein change: p.Glu33Asp; replaces glutamic acid 33 with aspartic acid.
Molecular consequence: missense variant.
Genome position (GRCh38, 1-based): chr2:3,387,722, G>T. VCF-style: chr2-3387722-G-T. GRCh37 (hg19) VCF-style: chr2-3391493-G-T.
Other names: c.99G>T, p.Glu33Asp (NM_001321102.2); short protein forms E33D.
Identifiers: ClinVar variation 4700724 (VCV004700724.1).
Genomic context (GRCh38, chr2:3,387,722, plus strand): 5'-GGAGGCCCCGCACCCCCCTCAGCTCGCGCCTCCGGAGGAGCAGGGGTTGCTCTTCCAGGA[G>T]GAAACCATCGATCTTGGCGGAGATGAGTTTGGATCCGAAGAGAACGAGACCGCATCGGAA-3'
Protein context (NP_057114.5, residues 23-43): PPEEQGLLFQ[Glu33Asp]ETIDLGGDEF

ClinVar aggregate classification (germline): Uncertain significance (1 of 4 stars; one submission).

gnomAD v4.1: 2 of 1,602,952 alleles (0.00012%); highest among the groups gnomAD compares: Non-Finnish European, 0.00017%; no homozygotes.

Submission:

Labcorp Genetics (formerly Invitae), Labcorp
Classification: Uncertain significance. Last evaluated: 2025-06-22. Review status: criteria provided, single submitter. Criteria: Invitae Variant Classification Sherloc (09022015). Collection method: clinical testing. Allele origin: germline.
Comment: This sequence change replaces glutamic acid, which is acidic and polar, with aspartic acid, which is acidic and polar, at codon 33 of the TRAPPC12 protein (p.Glu33Asp). This variant is not present in population databases (gnomAD no frequency). This variant has not been reported in the literature in individuals affected with TRAPPC12-related conditions. Invitae Evidence Modeling of protein sequence and biophysical properties (such as structural, functional, and spatial information, amino acid conservation, physicochemical variation, residue mobility, and thermodynamic stability) indicates that this missense variant is not expected to disrupt TRAPPC12 protein function with a negative predictive value of 80%. In summary, the available evidence is currently insufficient to determine the role of this variant in disease. Therefore, it has been classified as a Variant of Uncertain Significance.